The following is an entry in ClinVar:

NM_002471.4(MYH6):c.3322A>G (p.Lys1108Glu)

Gene: MYH6 (myosin heavy chain 6; minus strand). Cytogenetic location: 14q11.2.
Variant type: single nucleotide variant.
Coding change: c.3322A>G on transcript NM_002471.4 (MANE Select); coding-DNA position 3322, A replaced by G.
Protein change: p.Lys1108Glu; replaces lysine 1108 with glutamic acid.
Molecular consequence: missense variant.
Genome position (GRCh38, 1-based): chr14:23,392,582, T>C on the plus strand (A>G on the coding strand, the complement: MYH6 is on the minus strand). VCF-style: chr14-23392582-T-C. GRCh37 (hg19) VCF-style: chr14-23861791-T-C.
Other names: short protein forms K1108E.
Identifiers: ClinVar variation 1394221 (VCV001394221.6), dbSNP rs2138596600, ClinGen allele CA389007085.

ClinVar aggregate classification (germline): Uncertain significance (1 of 4 stars; one submission).

Conditions:
Hypertrophic cardiomyopathy 14. Identifiers: MedGen C2750467, MONDO:0013197, OMIM 613251.

Submission:

Labcorp Genetics (formerly Invitae), Labcorp
Classification: Uncertain significance for Hypertrophic cardiomyopathy 14. Last evaluated: 2021-11-19. Review status: criteria provided, single submitter. Criteria: Invitae Variant Classification Sherloc (09022015). Collection method: clinical testing. Allele origin: germline.
Comment: This sequence change replaces lysine, which is basic and polar, with glutamic acid, which is acidic and polar, at codon 1108 of the MYH6 protein (p.Lys1108Glu). In summary, the available evidence is currently insufficient to determine the role of this variant in disease. Therefore, it has been classified as a Variant of Uncertain Significance. Algorithms developed to predict the effect of missense changes on protein structure and function are either unavailable or do not agree on the potential impact of this missense change (SIFT: "Tolerated"; PolyPhen-2: "Probably Damaging"; Align-GVGD: "Class C0"). This variant has not been reported in the literature in individuals affected with MYH6-related conditions. This variant is not present in population databases (gnomAD no frequency).